The following is an entry in ClinVar:

ClinVar aggregate classification (germline): Uncertain significance (1 of 4 stars; one submission).

Submission:

Ambry Genetics
Classification: Uncertain significance. Last evaluated: 2026-03-10. Review status: criteria provided, single submitter. Criteria: Ambry Variant Classification Scheme 2023. Collection method: clinical testing. Allele origin: germline.
Comment: The p.E247V variant (also known as c.740A>T), located in coding exon 4 of the PALLD gene, results from an A to T substitution at nucleotide position 740. The glutamic acid at codon 247 is replaced by valine, an amino acid with dissimilar properties. This amino acid position is conserved. In addition, the in silico prediction for this alteration is inconclusive. Based on the available evidence, the clinical significance of this variant remains unclear.

NM_001166108.2(PALLD):c.2252A>T (p.Glu751Val)

Genes: CBR4 (carbonyl reductase 4; minus strand), PALLD (palladin, cytoskeletal associated protein; plus strand). Cytogenetic location: 4q32.3.
Variant type: single nucleotide variant.
Coding change: c.2252A>T on transcript NM_001166108.2 (MANE Select); coding-DNA position 2252, A replaced by T.
Protein change: p.Glu751Val; replaces glutamic acid 751 with valine.
Molecular consequence: missense variant.
Genome position (GRCh38, 1-based): chr4:168,898,494, A>T. VCF-style: chr4-168898494-A-T. GRCh37 (hg19) VCF-style: chr4-169819645-A-T.
Other names: c.1055A>T, p.Glu352Val (NM_001166109.2); c.740A>T, p.Glu247Val (NM_001166110.2); c.80A>T, p.Glu27Val (NM_001367567.1, NM_001367569.1); c.131A>T, p.Glu44Val (NM_001367568.1, NM_001367570.1); c.2201A>T, p.Glu734Val (NM_016081.4); short protein forms E247V, E352V, E27V, E751V, E44V, E734V.
Identifiers: ClinVar variation 4826076 (VCV004826076.1).